The following is an entry in ClinVar:

ClinVar aggregate classification (germline): Pathogenic (1 of 4 stars; one submission).

Conditions:
Charlevoix-Saguenay spastic ataxia (SACS). Also called: SPASTIC ATAXIA 6, AUTOSOMAL RECESSIVE; AUTOSOMAL RECESSIVE SPASTIC ATAXIA OF CHARLEVOIX-SAGUENAY; Spastic ataxia of Charlevoix-Saguenay. Identifiers: Orphanet 98, MedGen C1849140, MONDO:0010041, OMIM 270550.

Submission:

Myriad Genetics, Inc.
Classification: Pathogenic for Charlevoix-Saguenay spastic ataxia. Last evaluated: 2025-06-05. Review status: criteria provided, single submitter. Criteria: Myriad Autosomal Dominant, Autosomal Recessive and X-Linked Classification Criteria (2023). Collection method: clinical testing. Allele origin: unknown.
Comment: NM_014363.4(SACS):c.7789_7811dup23(N2606Kfs*27) is a frameshift variant classified as pathogenic in the context of autosomal recessive spastic ataxia of Charlevoix-Saguenay. N2606Kfs*27 has not been observed in cases with relevant disease. Relevant functional assessments of this variant are not available in the literature. N2606Kfs*27 has not been observed in referenced population frequency databases. In summary, NM_014363.4(SACS):c.7789_7811dup23(N2606Kfs*27) is a frameshift variant in a gene where loss of function is a known mechanism of disease and is predicted to disrupt protein function. Please note: this variant was assessed in the context of healthy population screening.

NM_014363.6(SACS):c.7789_7811dup (p.Asn2606fs)

Gene: SACS (sacsin molecular chaperone; minus strand). Cytogenetic location: 13q12.12.
Variant type: Duplication.
Coding change: c.7789_7811dup on transcript NM_014363.6 (MANE Select); coding-DNA positions 7789 to 7811, 23 bases duplicated (ACAGAAGATGATGTTAGAGGAAT).
Protein change: p.Asn2606fs; shifts the reading frame from asparagine 2606.
Molecular consequence: frameshift variant.
Genome position (GRCh38, 1-based): chr13:23,336,065-23,336,087, ATTCCTCTAACATCATCTTCTGT duplicated on the plus strand (ACAGAAGATGATGTTAGAGGAAT on the coding strand, the reverse complement: SACS is on the minus strand); duplicating any 23 consecutive bases within chr13:23,336,065-23,336,088 gives the same sequence; the c. name uses the placement nearest the transcript's 3' end. VCF-style (leftmost placement, unchanged base first): chr13-23336064-A-AATTCCTCTAACATCATCTTCTGT. GRCh37 (hg19) VCF-style: chr13-23910203-A-AATTCCTCTAACATCATCTTCTGT.
Other names: c.7348_7370dup, p.Asn2459fs (NM_001278055.2); c.7816_7838dup, p.Asn2615fs (NM_001437336.1); short protein forms N2459fs, N2606fs, N2615fs.
Identifiers: ClinVar variation 4081789 (VCV004081789.1).